The following is an entry in ClinVar:

ClinVar aggregate classification (germline): Uncertain significance. Review status: criteria provided, single submitter (1 of 4 stars). 2 submissions from 2 submitters: Uncertain significance (1). 1 of the submissions does not count toward it. Last evaluated 2022-07-21.

Conditions:
LAMA5-related disorder. Also called: LAMA5-related condition; LAMA5-Related Disorders.

Allele frequency attached by ClinVar (database versions not stated): gnomAD exomes 0.00002; ExAC 0.00007; 1000 Genomes Project 30x 0.00016; 1000 Genomes Project 0.00020; gnomAD 0.00025; TOPMed 0.00034.
gnomAD v4.1: 64 of 1,277,846 alleles (0.005%); highest among the groups gnomAD compares: African/African-American, 0.095%; no homozygotes.

Submissions (2):

Labcorp Genetics (formerly Invitae), Labcorp
Classification: Uncertain significance. Last evaluated: 2022-07-21. Review status: criteria provided, single submitter. Criteria: Invitae Variant Classification Sherloc (09022015). Collection method: clinical testing. Allele origin: germline.
Comment: This sequence change replaces glycine, which is neutral and non-polar, with serine, which is neutral and polar, at codon 91 of the LAMA5 protein (p.Gly91Ser). The frequency data for this variant in the population databases is considered unreliable, as metrics indicate poor data quality at this position in the gnomAD database. This variant has not been reported in the literature in individuals affected with LAMA5-related conditions. Algorithms developed to predict the effect of missense changes on protein structure and function are either unavailable or do not agree on the potential impact of this missense change (SIFT: "Tolerated"; PolyPhen-2: "Possibly Damaging"; Align-GVGD: "Class C0"). In summary, the available evidence is currently insufficient to determine the role of this variant in disease. Therefore, it has been classified as a Variant of Uncertain Significance.

PreventionGenetics, part of Exact Sciences
Classification: Uncertain significance for LAMA5-related condition. Last evaluated: 2024-09-26. Review status: no assertion criteria provided. Collection method: clinical testing. Allele origin: germline. Not counted in ClinVar's aggregate classification.
Comment: The LAMA5 c.271G>A variant is predicted to result in the amino acid substitution p.Gly91Ser. To our knowledge, this variant has not been reported in the literature. This variant is reported in 0.078% of alleles in individuals of African descent in gnomAD. At this time, the clinical significance of this variant is uncertain due to the absence of conclusive functional and genetic evidence.

NM_005560.6(LAMA5):c.271G>A (p.Gly91Ser)

Gene: LAMA5 (laminin subunit alpha 5; minus strand). Cytogenetic location: 20q13.33.
Variant type: single nucleotide variant.
Coding change: c.271G>A on transcript NM_005560.6 (MANE Select); coding-DNA position 271, G replaced by A.
Protein change: p.Gly91Ser; replaces glycine 91 with serine.
Molecular consequence: missense variant.
Genome position (GRCh38, 1-based): chr20:62,366,975, C>T on the plus strand (G>A on the coding strand, the complement: LAMA5 is on the minus strand). VCF-style: chr20-62366975-C-T. GRCh37 (hg19) VCF-style: chr20-60942031-C-T.
Other names: c.271G>A (NM_005560.4); short protein forms G91S.
Identifiers: ClinVar variation 2163376 (VCV002163376.2), dbSNP rs546040595, ClinGen allele CA9944525.